The following is an entry in ClinVar:

NM_014028.4(OSTM1):c.*1407A>G

Gene: OSTM1 (osteoclastogenesis associated transmembrane protein 1; minus strand). Cytogenetic location: 6q21.
Variant type: single nucleotide variant.
Coding change: c.*1407A>G on transcript NM_014028.4 (MANE Select); 1407 bases downstream of the stop codon, A replaced by G.
Molecular consequence: 3 prime UTR variant.
Genome position (GRCh38, 1-based): chr6:108,043,378, T>C on the plus strand (A>G on the coding strand, the complement: OSTM1 is on the minus strand). VCF-style: chr6-108043378-T-C. GRCh37 (hg19) VCF-style: chr6-108364582-T-C.
Identifiers: ClinVar variation 354961 (VCV000354961.5), dbSNP rs12567, ClinGen allele CA10625593.

ClinVar aggregate classification (germline): Benign (1 of 4 stars; one submission).

Conditions:
Autosomal recessive osteopetrosis 5. Identifiers: Orphanet 85179, MedGen C1968603, MONDO:0009817, OMIM 259720.

Allele frequency attached by ClinVar (database versions not stated): 1000 Genomes Project 30x 0.21705; 1000 Genomes Project 0.21845; TOPMed 0.24319; gnomAD 0.24345 and 0.24864.

Submission:

Illumina Laboratory Services, Illumina
Classification: Benign for Autosomal recessive osteopetrosis 5. Last evaluated: 2018-01-12. Review status: criteria provided, single submitter. Criteria: ICSL Variant Classification Criteria 13 December 2019. Collection method: clinical testing. Allele origin: germline.
Comment: This variant was observed in the ICSL laboratory as part of a predisposition screen in an ostensibly healthy population. It had not been previously curated by ICSL or reported in the Human Gene Mutation Database (HGMD: prior to June 1st, 2018), and was therefore a candidate for classification through an automated scoring system. Utilizing variant allele frequency, disease prevalence and penetrance estimates, and inheritance mode, an automated score was calculated to assess if this variant is too frequent to cause the disease. Based on the score and internal cut-off values, a variant classified as benign is not then subjected to further curation. The score for this variant resulted in a classification of benign for this disease.